The following is an entry in ClinVar:

ClinVar aggregate classification (germline): Uncertain significance. Review status: criteria provided, multiple submitters, no conflicts (2 of 4 stars). 2 submissions from 2 submitters: Uncertain significance (2). Last evaluated 2025-10-21.

Conditions:
SEMA3G-related disorder. Also called: SEMA3G-related condition.

gnomAD v4.1: 29 of 1,608,744 alleles (0.0018%); highest among the groups gnomAD compares: African/African-American, 0.033%; no homozygotes.

Submissions (2):

PreventionGenetics, part of Exact Sciences
Classification: Uncertain significance for SEMA3G-related condition. Last evaluated: 2025-10-21. Review status: criteria provided, single submitter. Criteria: ACMG Guidelines, 2015. Collection method: clinical testing. Allele origin: germline.
Comment: The SEMA3G c.1120G>A variant is predicted to result in the amino acid substitution p.Val374Met. To our knowledge, this variant has not been reported in the literature. This variant is reported in 0.029% of alleles in individuals of African descent in gnomAD. At this time, the clinical significance of this variant is uncertain due to the absence of conclusive functional and genetic evidence.

Ambry Genetics
Classification: Uncertain significance. Last evaluated: 2024-12-03. Review status: criteria provided, single submitter. Criteria: Ambry Variant Classification Scheme 2023. Collection method: clinical testing. Allele origin: germline.

NM_020163.3(SEMA3G):c.1120G>A (p.Val374Met)

Gene: SEMA3G (semaphorin 3G; minus strand). Cytogenetic location: 3p21.1.
Variant type: single nucleotide variant.
Coding change: c.1120G>A on transcript NM_020163.3 (MANE Select); coding-DNA position 1120, G replaced by A.
Protein change: p.Val374Met; replaces valine 374 with methionine.
Molecular consequence: missense variant.
Genome position (GRCh38, 1-based): chr3:52,440,400, C>T on the plus strand (G>A on the coding strand, the complement: SEMA3G is on the minus strand). VCF-style: chr3-52440400-C-T. GRCh37 (hg19) VCF-style: chr3-52474416-C-T.
Other names: c.1120G>A (NM_020163.1); short protein forms V374M.
Identifiers: ClinVar variation 3351666 (VCV003351666.3).